The following is an entry in ClinVar:

NM_003235.5(TG):c.6708G>A (p.Pro2236=)

Gene: TG (thyroglobulin; plus strand). Cytogenetic location: 8q24.22.
Variant type: single nucleotide variant.
Coding change: c.6708G>A on transcript NM_003235.5 (MANE Select); coding-DNA position 6708, G replaced by A.
Protein change: p.Pro2236=; no amino-acid change (proline 2236 retained).
Molecular consequence: synonymous variant.
Genome position (GRCh38, 1-based): chr8:133,017,923, G>A. VCF-style: chr8-133017923-G-A. GRCh37 (hg19) VCF-style: chr8-134030168-G-A.
Identifiers: ClinVar variation 2658840 (VCV002658840.27), dbSNP rs200593655, ClinGen allele CA4885011.

ClinVar aggregate classification (germline): Likely benign. Review status: criteria provided, multiple submitters, no conflicts (2 of 4 stars). 2 submissions from 2 submitters: Likely benign (2). Last evaluated 2024-02-18.

Allele frequency attached by ClinVar (database versions not stated): ExAC 0.00002; gnomAD exomes 0.00002; TOPMed 0.00002; gnomAD 0.00003; 1000 Genomes Project 30x 0.00016; 1000 Genomes Project 0.00020.
gnomAD v4.1: 36 of 1,614,162 alleles (0.0022%); highest among the groups gnomAD compares: South Asian, 0.014%; no homozygotes.

Submissions (2):

Labcorp Genetics (formerly Invitae), Labcorp
Classification: Likely benign. Last evaluated: 2024-02-18. Review status: criteria provided, single submitter. Criteria: Invitae Variant Classification Sherloc (09022015). Collection method: clinical testing. Allele origin: germline.

CeGaT Center for Human Genetics Tuebingen
Classification: Likely benign. Last evaluated: 2022-11-01. Review status: criteria provided, single submitter. Criteria: CeGaT Center For Human Genetics Tuebingen Variant Classification Criteria Version 2. Collection method: clinical testing. Allele origin: germline. Affected: yes. Observed: 1 variant allele.
Comment: TG: BP4, BP7